The following is an entry in ClinVar:

NM_000103.4(CYP19A1):c.*1888A>T

Genes: MIR4713HG (MIR4713 host gene; plus strand), PIRC66 (piwi-interacting RNA cluster 66; plus strand), CYP19A1 (cytochrome P450 family 19 subfamily A member 1; minus strand). Cytogenetic location: 15q21.2.
Variant type: single nucleotide variant.
Coding change: c.*1888A>T on transcript NM_000103.4 (MANE Select); 1888 bases downstream of the stop codon, A replaced by T.
Molecular consequence: 3 prime UTR variant.
Genome position (GRCh38, 1-based): chr15:51,208,920, T>A on the plus strand (A>T on the coding strand, the complement: CYP19A1 is on the minus strand). VCF-style: chr15-51208920-T-A. GRCh37 (hg19) VCF-style: chr15-51501117-T-A.
Other names: c.*1888A>T (NM_001347248.1, NM_001347249.2, NM_001347250.2 and 7 more transcripts).
Identifiers: ClinVar variation 886276 (VCV000886276.4), dbSNP rs4275794, ClinGen allele CA270547581.

ClinVar aggregate classification (germline): Uncertain significance (1 of 4 stars; one submission).

Conditions:
Aromatase deficiency. Also called: Increased aromatase activity; PSEUDOHERMAPHRODITISM, FEMALE, DUE TO PLACENTAL AROMATASE DEFICIENCY. Identifiers: Orphanet 91, MedGen C1960539, MONDO:0013301, OMIM 613546.

Submission:

Illumina Laboratory Services, Illumina
Classification: Uncertain significance for Aromatase deficiency. Last evaluated: 2017-04-27. Review status: criteria provided, single submitter. Criteria: ICSL Variant Classification Criteria 13 December 2019. Collection method: clinical testing. Allele origin: germline.
Comment: This variant was observed as part of a predisposition screen in an ostensibly healthy population. A literature search was performed for the gene, cDNA change, and amino acid change (where applicable). Publications were found based on this search. However, the evidence from the literature, in combination with allele frequency data from public databases where available, was not sufficient to rule this variant in or out of causing disease. Therefore, this variant is classified as a variant of unknown significance.

Literature cited by the submitters: PubMed 25088806.